The following is an entry in ClinVar:

ClinVar aggregate classification (germline): Benign/Likely benign. Review status: criteria provided, multiple submitters, no conflicts (2 of 4 stars). 3 submissions from 3 submitters: Benign (1); Likely benign (2). Last evaluated 2025-10-12.

Conditions:
Familial thoracic aortic aneurysm and aortic dissection (TAAD). Also called: Thoracic aortic aneurysms and dissections. Identifiers: Orphanet 91387, MedGen C4707243, MONDO:0019625.
Hereditary cancer-predisposing syndrome. Also called: Tumor predisposition; Neoplastic Syndromes, Hereditary; Hereditary neoplastic syndrome; Hereditary Cancer Syndrome. Identifiers: Orphanet 140162, MedGen C0027672, MeSH D009386, MONDO:0015356.
Juvenile polyposis syndrome (JPS). Identifiers: Orphanet 2929, MedGen C0345893, MONDO:0017380, OMIM 174900.
Juvenile polyposis/hereditary hemorrhagic telangiectasia syndrome (JPHT). Also called: Juvenile Polyposis Syndrome / Hereditary Hemorrhagic Telangiectasia (JPS/HHT); JP/HHT SYNDROME; JUVENILE POLYPOSIS WITH HEREDITARY HEMORRHAGIC TELANGIECTASIA; POLYPOSIS, GENERALIZED JUVENILE, WITH PULMONARY ARTERIOVENOUS MALFORMATION; TELANGIECTASIA, HEREDITARY HEMORRHAGIC, WITH JUVENILE POLYPOSIS COLI. Identifiers: Orphanet 2929, MedGen C1832942, MONDO:0008278, OMIM 175050.

Submissions (3):

Labcorp Genetics (formerly Invitae), Labcorp
Classification: Likely benign for Juvenile polyposis syndrome. Last evaluated: 2025-10-12. Review status: criteria provided, single submitter. Criteria: Invitae Variant Classification Sherloc (09022015). Collection method: clinical testing. Allele origin: germline.

Myriad Genetics, Inc.
Classification: Benign for Juvenile polyposis/hereditary hemorrhagic telangiectasia syndrome. Last evaluated: 2025-03-24. Review status: criteria provided, single submitter. Criteria: Myriad Autosomal Dominant, Autosomal Recessive and X-Linked Classification Criteria (2023). Collection method: clinical testing. Allele origin: unknown.
Comment: This variant is considered benign. This variant is a silent/synonymous amino acid change and it is not expected to impact splicing.

Ambry Genetics
Classification: Likely benign for Hereditary cancer-predisposing syndrome; Familial thoracic aortic aneurysm and aortic dissection. Last evaluated: 2015-08-22. Review status: criteria provided, single submitter. Criteria: Ambry Variant Classification Scheme 2023. Collection method: clinical testing. Allele origin: germline.

NM_005359.6(SMAD4):c.1554C>T (p.Ile518=)

Gene: SMAD4 (SMAD family member 4; plus strand). Cytogenetic location: 18q21.2.
Variant type: single nucleotide variant.
Coding change: c.1554C>T on transcript NM_005359.6 (MANE Select); coding-DNA position 1554, C replaced by T.
Protein change: p.Ile518=; no amino-acid change (isoleucine 518 retained).
Molecular consequence: synonymous variant.
Genome position (GRCh38, 1-based): chr18:51,078,362, C>T. VCF-style: chr18-51078362-C-T. GRCh37 (hg19) VCF-style: chr18-48604732-C-T.
Identifiers: ClinVar variation 233487 (VCV000233487.14), dbSNP rs876660438, ClinGen allele CA10580990.
Genomic context (GRCh38, chr18:51,078,362, plus strand): 5'-ATGCATACTCAGGATGAGTTTTGTGAAAGGCTGGGGACCGGATTACCCAAGACAGAGCAT[C>T]AAAGAAACACCTTGCTGGATTGAAATTCACTTACACCGGGCCCTCCAGCTCCTAGACGAA-3'
Protein context (NP_005350.1, residues 508-528): GWGPDYPRQS[Ile518=]KETPCWIEIH